The following is an entry in ClinVar:

NM_006231.4(POLE):c.2033C>T (p.Ala678Val)

Gene: POLE (DNA polymerase epsilon, catalytic subunit; minus strand). Cytogenetic location: 12q24.33.
Variant type: single nucleotide variant.
Coding change: c.2033C>T on transcript NM_006231.4 (MANE Select); coding-DNA position 2033, C replaced by T.
Protein change: p.Ala678Val; replaces alanine 678 with valine.
Molecular consequence: missense variant.
Genome position (GRCh38, 1-based): chr12:132,668,496, G>A on the plus strand (C>T on the coding strand, the complement: POLE is on the minus strand). VCF-style: chr12-132668496-G-A. GRCh37 (hg19) VCF-style: chr12-133245082-G-A.
Other names: short protein forms A678V.
Identifiers: ClinVar variation 4841354 (VCV004841354.1).

ClinVar aggregate classification (germline): Uncertain significance (1 of 4 stars; one submission).

Conditions:
Hereditary cancer-predisposing syndrome. Also called: Neoplastic Syndromes, Hereditary; Tumor predisposition; Hereditary Cancer Syndrome; Hereditary neoplastic syndrome. Identifiers: Orphanet 140162, MedGen C0027672, MeSH D009386, MONDO:0015356.

gnomAD v4.1: 1 of 1,592,864 alleles (0.000063%); highest among the groups gnomAD compares: East Asian, 0.0022%; no homozygotes.

Submission:

Ambry Genetics
Classification: Uncertain significance for Hereditary cancer-predisposing syndrome. Last evaluated: 2025-12-17. Review status: criteria provided, single submitter. Criteria: Ambry Variant Classification Scheme 2023. Collection method: clinical testing. Allele origin: germline.
Comment: The p.A678V variant (also known as c.2033C>T), located in coding exon 19 of the POLE gene, results from a C to T substitution at nucleotide position 2033. The alanine at codon 678 is replaced by valine, an amino acid with similar properties. This amino acid position is highly conserved in available vertebrate species. In addition, the in silico prediction for this alteration is inconclusive. Based on the available evidence, the clinical significance of this variant remains unclear.